The following is an entry in ClinVar:

NM_001042492.3(NF1):c.5609+117G>A

Gene: NF1 (neurofibromin 1; plus strand). Cytogenetic location: 17q11.2.
Variant type: single nucleotide variant.
Coding change: c.5609+117G>A on transcript NM_001042492.3 (MANE Select); 117 bases into the intron after coding-DNA position 5609, G replaced by A.
Molecular consequence: intron variant.
Genome position (GRCh38, 1-based): chr17:31,327,956, G>A. VCF-style: chr17-31327956-G-A. GRCh37 (hg19) VCF-style: chr17-29654974-G-A.
Other names: c.5546+117G>A (NM_000267.4).
Identifiers: ClinVar variation 561472 (VCV000561472.1), dbSNP rs3815154, ClinGen allele CA15897724.

ClinVar aggregate classification (germline): Benign (1 of 4 stars; one submission).

Allele frequency attached by ClinVar (database versions not stated): 1000 Genomes Project 30x 0.42630; 1000 Genomes Project 0.43171; TOPMed 0.47966; gnomAD 0.49906 and 0.50029; gnomAD exomes 0.58194.
gnomAD v4.1: 558,259 of 981,452 alleles (57%); highest among the groups gnomAD compares: Middle Eastern, 62%; 164,796 homozygotes.

Submission:

GeneDx
Classification: Benign. Last evaluated: 2018-06-20. Review status: criteria provided, single submitter. Criteria: GeneDx Variant Classification (06012015). Collection method: clinical testing. Allele origin: germline. Affected: yes.
Comment: This variant is considered likely benign or benign based on one or more of the following criteria: it is a conservative change, it occurs at a poorly conserved position in the protein, it is predicted to be benign by multiple in silico algorithms, and/or has population frequency not consistent with disease.